The following is an entry in ClinVar:

NM_001079802.2(FKTN):c.1171A>C (p.Lys391Gln)

Gene: FKTN (fukutin; plus strand). Cytogenetic location: 9q31.2.
Variant type: single nucleotide variant.
Coding change: c.1171A>C on transcript NM_001079802.2 (MANE Select); coding-DNA position 1171, A replaced by C.
Protein change: p.Lys391Gln; replaces lysine 391 with glutamine.
Molecular consequence: missense variant. On other transcripts: non-coding transcript variant (2).
Genome position (GRCh38, 1-based): chr9:105,620,060, A>C. VCF-style: chr9-105620060-A-C. GRCh37 (hg19) VCF-style: chr9-108382341-A-C.
Other names: c.1171A>C, p.Lys391Gln (NM_001198963.2, NM_001351496.2, NM_001351498.2 and 1 more transcripts); c.1102A>C, p.Lys368Gln (NM_001351497.2); c.775A>C, p.Lys259Gln (NM_001351499.2, NM_001351500.2, NM_001351501.2 and 1 more transcripts); short protein forms K368Q, K391Q, K259Q.
Identifiers: ClinVar variation 3515586 (VCV003515586.1).

ClinVar aggregate classification (germline): Uncertain significance (1 of 4 stars; one submission).

Conditions:
Cardiovascular phenotype. Identifiers: MedGen CN230736.

gnomAD v4.1: 8 of 1,609,814 alleles (0.0005%); highest among the groups gnomAD compares: Non-Finnish European, 0.00059%; no homozygotes.

Submission:

Ambry Genetics
Classification: Uncertain significance for Cardiovascular phenotype. Last evaluated: 2024-09-12. Review status: criteria provided, single submitter. Criteria: Ambry Variant Classification Scheme 2023. Collection method: clinical testing. Allele origin: germline.
Comment: The p.K391Q variant (also known as c.1171A>C), located in coding exon 8 of the FKTN gene, results from an A to C substitution at nucleotide position 1171. The lysine at codon 391 is replaced by glutamine, an amino acid with similar properties. This amino acid position is well conserved in available vertebrate species. In addition, the in silico prediction for this alteration is inconclusive. Based on the available evidence, the clinical significance of this variant remains unclear.